The following is an entry in ClinVar:

ClinVar aggregate classification (germline): Uncertain significance (1 of 4 stars; one submission).

Submission:

Labcorp Genetics (formerly Invitae), Labcorp
Classification: Uncertain significance. Last evaluated: 2022-08-13. Review status: criteria provided, single submitter. Criteria: Invitae Variant Classification Sherloc (09022015). Collection method: clinical testing. Allele origin: germline.
Comment: In summary, the available evidence is currently insufficient to determine the role of this variant in disease. Therefore, it has been classified as a Variant of Uncertain Significance. This variant has not been reported in the literature in individuals affected with LZTS1-related conditions. This variant is not present in population databases (gnomAD no frequency). This variant, c.1484_1489dup, results in the insertion of 2 amino acid(s) of the LZTS1 protein (p.Glu495_Asp496dup), but otherwise preserves the integrity of the reading frame.

NM_021020.5(LZTS1):c.1484_1489dup (p.Asp496_Val497insGluAsp)

Gene: LZTS1 (leucine zipper tumor suppressor 1; minus strand). Cytogenetic location: 8p21.3.
Variant type: Duplication.
Coding change: c.1484_1489dup on transcript NM_021020.5 (MANE Select); coding-DNA positions 1484 to 1489, 6 bases duplicated (AGGACG; older notation c.1484_1489dupAGGACG).
Protein change: p.Asp496_Val497insGluAsp.
Molecular consequence: inframe insertion.
Genome position (GRCh38, 1-based): chr8:20,250,024-20,250,029, CGTCCT duplicated on the plus strand (AGGACG on the coding strand, the reverse complement: LZTS1 is on the minus strand); duplicating any 6 consecutive bases within chr8:20,250,024-20,250,031 gives the same sequence; the c. name uses the placement nearest the transcript's 3' end. VCF-style (leftmost placement, unchanged base first): chr8-20250023-A-ACGTCCT. GRCh37 (hg19) VCF-style: chr8-20107534-A-ACGTCCT.
Other names: c.1484_1489dup, p.Asp496_Val497insGluAsp (NM_001362884.2).
Identifiers: ClinVar variation 2017330 (VCV002017330.4), dbSNP rs2486297108, ClinGen allele CA2580078052.
Genomic context (GRCh38, chr8:20,250,023, plus strand): 5'-CCTTGCCGCTCCTCCCGCAGCTCGGCCCGCAGCCGCTCCAGCTCCCGCTGCAGGGCAGGG[A>ACGTCCT]CGTCCTCGGGGAAGGTGGGCGGCCCCATGTCGCGGGCCAGGGCGGCCTGGGCCCGCAGCT-3'